The following is an entry in ClinVar:

ClinVar aggregate classification (germline): Uncertain significance. Review status: criteria provided, multiple submitters, no conflicts (2 of 4 stars). 7 submissions from 7 submitters: Uncertain significance (7). Last evaluated 2025-12-30.

Conditions:
POLD1-related polyposis and colorectal cancer syndrome (CRCS10). Also called: Colorectal cancer 10; Colorectal cancer, susceptibility to, 10; COLORECTAL CANCER, SUSCEPTIBILITY TO, ON CHROMOSOME 19q. Identifiers: Orphanet 220460, MedGen C2675481, MONDO:0012953, OMIM 612591.
Hereditary cancer-predisposing syndrome. Also called: Neoplastic Syndromes, Hereditary; Hereditary neoplastic syndrome; Tumor predisposition; Hereditary Cancer Syndrome. Identifiers: Orphanet 140162, MedGen C0027672, MeSH D009386, MONDO:0015356.

Allele frequency attached by ClinVar (database versions not stated): gnomAD 0.00001; TOPMed 0.00001; gnomAD exomes 0.00002; ExAC 0.00003; ESP Exome Variant Server 0.00008.
gnomAD v4.1: 28 of 1,610,620 alleles (0.0017%); highest among the groups gnomAD compares: Non-Finnish European, 0.002%; no homozygotes.

Submissions (7):

Labcorp Genetics (formerly Invitae), Labcorp
Classification: Uncertain significance. Last evaluated: 2025-12-30. Review status: criteria provided, single submitter. Criteria: Invitae Variant Classification Sherloc (09022015). Collection method: clinical testing. Allele origin: germline.
Comment: This sequence change replaces valine, which is neutral and non-polar, with methionine, which is neutral and non-polar, at codon 270 of the POLE protein (p.Val270Met). This variant is present in population databases (rs374237142, gnomAD 0.003%). This variant has not been reported in the literature in individuals affected with POLE-related conditions. ClinVar contains an entry for this variant (Variation ID: 405811). Invitae Evidence Modeling of protein sequence and biophysical properties (such as structural, functional, and spatial information, amino acid conservation, physicochemical variation, residue mobility, and thermodynamic stability) indicates that this missense variant is expected to disrupt POLE protein function with a positive predictive value of 80%. In summary, the available evidence is currently insufficient to determine the role of this variant in disease. Therefore, it has been classified as a Variant of Uncertain Significance.

Ambry Genetics
Classification: Uncertain significance for Hereditary cancer-predisposing syndrome. Last evaluated: 2025-06-05. Review status: criteria provided, single submitter. Criteria: Ambry Variant Classification Scheme 2023. Collection method: clinical testing. Allele origin: germline.
Comment: The p.V270M variant (also known as c.808G>A), located in coding exon 9 of the POLE gene, results from a G to A substitution at nucleotide position 808. The valine at codon 270 is replaced by methionine, an amino acid with highly similar properties. This amino acid position is highly conserved in available vertebrate species. In addition, the in silico prediction for this alteration is inconclusive. Based on the available evidence, the clinical significance of this variant remains unclear.

Center for Genomic Medicine, Rigshospitalet, Copenhagen University Hospital
Classification: Uncertain significance. Last evaluated: 2025-03-04. Review status: criteria provided, single submitter. Criteria: ACMG Guidelines, 2015. Collection method: clinical testing. Allele origin: germline.

Quest Diagnostics Nichols Institute San Juan Capistrano
Classification: Uncertain significance. Last evaluated: 2025-02-05. Review status: criteria provided, single submitter. Criteria: Quest Diagnostics criteria. Collection method: clinical testing. Allele origin: unknown.
Comment: The POLE c.808G>A (p.Val270Met) variant has been reported in the published literature in an individual with endometrial cancer (PMID: 30917185 (2019)). This variant has also been identified in the somatic state is colorectal cancer tumor (PMID: 25124163 (2014)). The frequency of this variant in the general population (Genome Aggregation Database) is uninformative in the assessment of its pathogenicity. Analysis of this variant using bioinformatics tools for the prediction of the effect of amino acid changes on protein structure and function yielded predictions that this variant is damaging. Based on the available information, we are unable to determine the clinical significance of this variant.

Molecular Pathology, Peter Maccallum Cancer Centre
Classification: Uncertain significance for POLD1-related polyposis and colorectal cancer syndrome. Last evaluated: 2024-06-05. Review status: criteria provided, single submitter. Criteria: ACMG Guidelines, 2015. Collection method: clinical testing. Allele origin: germline. Inheritance: Autosomal dominant inheritance.

GeneDx
Classification: Uncertain significance. Last evaluated: 2024-02-07. Review status: criteria provided, single submitter. Criteria: GeneDx Variant Classification Process June 2021. Collection method: clinical testing. Allele origin: germline. Affected: yes.
Comment: Not observed at significant frequency in large population cohorts (gnomAD); In silico analysis supports that this missense variant does not alter protein structure/function; Has not been previously published as a germline pathogenic or benign variant to our knowledge; This variant is associated with the following publications: (PMID: 25124163, 28776572, 26251183, 20951805)

CeGaT Center for Human Genetics Tuebingen
Classification: Uncertain significance. Last evaluated: 2024-02-01. Review status: criteria provided, single submitter. Criteria: CeGaT Center For Human Genetics Tuebingen Variant Classification Criteria Version 2. Collection method: clinical testing. Allele origin: germline. Affected: yes. Observed: 1 variant allele.

Literature cited by the submitters: PubMed 25124163 (cited by Ambry Genetics and Quest Diagnostics Nichols Institute San Juan Capistrano); PubMed 30917185 (cited by Quest Diagnostics Nichols Institute San Juan Capistrano).

NM_006231.4(POLE):c.808G>A (p.Val270Met)

Gene: POLE (DNA polymerase epsilon, catalytic subunit; minus strand). Cytogenetic location: 12q24.33.
Variant type: single nucleotide variant.
Coding change: c.808G>A on transcript NM_006231.4 (MANE Select); coding-DNA position 808, G replaced by A.
Protein change: p.Val270Met; replaces valine 270 with methionine.
Molecular consequence: missense variant.
Genome position (GRCh38, 1-based): chr12:132,676,647, C>T on the plus strand (G>A on the coding strand, the complement: POLE is on the minus strand). VCF-style: chr12-132676647-C-T. GRCh37 (hg19) VCF-style: chr12-133253233-C-T.
Other names: short protein forms V270M.
Identifiers: ClinVar variation 405811 (VCV000405811.45), dbSNP rs374237142, ClinGen allele CA6894164.